The following is an entry in ClinVar:

NM_006019.4(TCIRG1):c.2218_2219del (p.Leu740fs)

Gene: TCIRG1 (T cell immune regulator 1, ATPase H+ transporting V0 subunit a3; plus strand). Cytogenetic location: 11q13.2.
Variant type: Deletion.
Coding change: c.2218_2219del on transcript NM_006019.4 (MANE Select); coding-DNA positions 2218 to 2219, 2 bases deleted (CT; older notation c.2218_2219delCT).
Protein change: p.Leu740fs; shifts the reading frame from leucine 740.
Molecular consequence: frameshift variant.
Genome position (GRCh38, 1-based): chr11:68,050,236-68,050,237, CT deleted. VCF-style (leftmost placement, unchanged base first): chr11-68050235-CCT-C. GRCh37 (hg19) VCF-style: chr11-67817702-CCT-C.
Other names: c.1324_1325del, p.Leu442fs (NM_001351059.2); c.1570_1571del, p.Leu524fs (NM_006053.4); short protein forms L442fs, L524fs, L740fs.
Identifiers: ClinVar variation 1075994 (VCV001075994.12), dbSNP rs1565164499, ClinGen allele CA600238462.

ClinVar aggregate classification (germline): Pathogenic/Likely pathogenic. Review status: criteria provided, multiple submitters, no conflicts (2 of 4 stars). 4 submissions from 4 submitters: Pathogenic (2); Likely pathogenic (1). 1 of the submissions does not count toward it. Last evaluated 2025-05-13.

Conditions:
Autosomal recessive osteopetrosis 1. Also called: ALBERS-SCHONBERG DISEASE, AUTOSOMAL RECESSIVE; TCIRG1-Related Autosomal Recessive Osteopetrosis; TCIRG1-Related Osteopetrosis. Identifiers: Orphanet 667, MedGen C1850127, MONDO:0009815, OMIM 259700.

Allele frequency attached by ClinVar (database versions not stated): gnomAD exomes below 0.00001.

Submissions (4):

Labcorp Genetics (formerly Invitae), Labcorp
Classification: Pathogenic. Last evaluated: 2025-05-13. Review status: criteria provided, single submitter. Criteria: Invitae Variant Classification Sherloc (09022015). Collection method: clinical testing. Allele origin: germline.
Comment: This sequence change creates a premature translational stop signal (p.Leu740Glufs*90) in the TCIRG1 gene. While this is not anticipated to result in nonsense mediated decay, it is expected to disrupt the last 91 amino acid(s) of the TCIRG1 protein. This variant is present in population databases (no rsID available, gnomAD 0.006%). This premature translational stop signal has been observed in individuals with osteopetrosis (PMID: 30539151). ClinVar contains an entry for this variant (Variation ID: 1075994). This variant disrupts a region of the TCIRG1 protein in which other variant(s) (p.Ala796Leufs*34) have been determined to be pathogenic (PMID: 30537558). This suggests that this is a clinically significant region of the protein, and that variants that disrupt it are likely to be disease-causing. For these reasons, this variant has been classified as Pathogenic.

Fulgent Genetics
Classification: Likely pathogenic for Autosomal recessive osteopetrosis 1. Last evaluated: 2024-05-31. Review status: criteria provided, single submitter. Criteria: ACMG Guidelines, 2015. Collection method: clinical testing. Allele origin: germline.

Baylor Genetics
Classification: Pathogenic for Autosomal recessive osteopetrosis 1. Last evaluated: 2023-10-04. Review status: criteria provided, single submitter. Criteria: ACMG Guidelines, 2015. Collection method: clinical testing. Allele origin: unknown.

Natera, Inc.
Classification: Pathogenic for Infantile malignant osteopetrosis. Last evaluated: 2021-03-16. Review status: no assertion criteria provided. Collection method: clinical testing. Allele origin: germline. Not counted in ClinVar's aggregate classification.

Literature cited by the submitters: PubMed 30539151 (cited by Labcorp Genetics (formerly Invitae), Labcorp); PubMed 30537558 (cited by Labcorp Genetics (formerly Invitae), Labcorp).